The following is an entry in ClinVar:

NM_014915.3(ANKRD26):c.1462+6del

Gene: ANKRD26 (ankyrin repeat domain 26; minus strand). Cytogenetic location: 10p12.1.
Variant type: Deletion.
Coding change: c.1462+6del on transcript NM_014915.3 (MANE Select); 6 bases into the intron after coding-DNA position 1462, one base deleted (G; older notation c.1462+6delG).
Molecular consequence: intron variant.
Genome position (GRCh38, 1-based): chr10:27,061,138, C deleted on the plus strand (G on the coding strand, the reverse complement: ANKRD26 is on the minus strand); the first of 2 consecutive C bases (chr10:27,061,138-27,061,139); deleting either gives the same sequence. VCF-style (leftmost placement, unchanged base first): chr10-27061137-TC-T. GRCh37 (hg19) VCF-style: chr10-27350066-TC-T.
Other names: c.1462+6del (NM_001256053.2).
Identifiers: ClinVar variation 4806069 (VCV004806069.1).

ClinVar aggregate classification (germline): Uncertain significance (1 of 4 stars; one submission).

Submission:

Labcorp Genetics (formerly Invitae), Labcorp
Classification: Uncertain significance. Last evaluated: 2025-01-30. Review status: criteria provided, single submitter. Criteria: Invitae Variant Classification Sherloc (09022015). Collection method: clinical testing. Allele origin: germline.
Comment: This sequence change falls in intron 13 of the ANKRD26 gene. It does not directly change the encoded amino acid sequence of the ANKRD26 protein. It affects a nucleotide within the consensus splice site. This variant is not present in population databases (gnomAD no frequency). This variant has not been reported in the literature in individuals affected with ANKRD26-related conditions. Variants that disrupt the consensus splice site are a relatively common cause of aberrant splicing (PMID: 17576681, 9536098). Algorithms developed to predict the effect of sequence changes on RNA splicing suggest that this variant is not likely to affect RNA splicing. In summary, the available evidence is currently insufficient to determine the role of this variant in disease. Therefore, it has been classified as a Variant of Uncertain Significance.

Literature cited by the submitters: PubMed 17576681; PubMed 9536098.